The following is an entry in ClinVar:

NM_005720.4(ARPC1B):c.873C>A (p.Ser291Arg)

Gene: ARPC1B (actin related protein 2/3 complex subunit 1B; plus strand). Cytogenetic location: 7q22.1.
Variant type: single nucleotide variant.
Coding change: c.873C>A on transcript NM_005720.4 (MANE Select); coding-DNA position 873, C replaced by A.
Protein change: p.Ser291Arg; replaces serine 291 with arginine.
Molecular consequence: missense variant.
Genome position (GRCh38, 1-based): chr7:99,392,760, C>A. VCF-style: chr7-99392760-C-A. GRCh37 (hg19) VCF-style: chr7-98990383-C-A.
Other names: short protein forms S291R.
Identifiers: ClinVar variation 1375338 (VCV001375338.4), dbSNP rs749068155, ClinGen allele CA4364154.
Genomic context (GRCh38, chr7:99,392,760, plus strand): 5'-CTATGACGCCGCCGCGGGGATGCTGAGCTTCGGCGGGCGGCTGGACGTTCCTAAGCAGAG[C>A]TCGCAGCGTGGCTTGACGGCCCGCGAGCGCTTCCAGAACCTGGACAAGAAGGCGAGCTCC-3'
Protein context (NP_005711.1, residues 281-301): FGGRLDVPKQ[Ser291Arg]SQRGLTARER

ClinVar aggregate classification (germline): Uncertain significance (1 of 4 stars; one submission).

Allele frequency attached by ClinVar (database versions not stated): gnomAD exomes 0.00002; ExAC 0.00007.

Submission:

Labcorp Genetics (formerly Invitae), Labcorp
Classification: Uncertain significance. Last evaluated: 2021-10-22. Review status: criteria provided, single submitter. Criteria: Invitae Variant Classification Sherloc (09022015). Collection method: clinical testing. Allele origin: germline.
Comment: Algorithms developed to predict the effect of missense changes on protein structure and function (SIFT, PolyPhen-2, Align-GVGD) all suggest that this variant is likely to be tolerated. This variant has not been reported in the literature in individuals affected with ARPC1B-related conditions. While this variant is present in population databases (rs749068155), the frequency information is unreliable, as metrics indicate poor data quality at this position in the ExAC database. This sequence change replaces serine with arginine at codon 291 of the ARPC1B protein (p.Ser291Arg). The serine residue is moderately conserved and there is a moderate physicochemical difference between serine and arginine. In summary, the available evidence is currently insufficient to determine the role of this variant in disease. Therefore, it has been classified as a Variant of Uncertain Significance.